The following is an entry in ClinVar:

ClinVar aggregate classification (germline): Uncertain significance (1 of 4 stars; one submission).

Conditions:
Charcot-Marie-Tooth disease axonal type 2C (HMSN2C). Also called: Charcot-Marie-Tooth Disease Type 2, TRPV4-Related (CMT2C); CHARCOT-MARIE-TOOTH DISEASE, AXONAL, AUTOSOMAL DOMINANT, TYPE 2C; Charcot-Marie-Tooth Neuropathy Type 2C. Identifiers: Orphanet 99937, MedGen C1853710, MONDO:0011633, OMIM 606071.

Allele frequency attached by ClinVar (database versions not stated): TOPMed below 0.00001; ExAC 0.00001.
gnomAD v4.1: 29 of 1,614,068 alleles (0.0018%); highest among the groups gnomAD compares: Non-Finnish European, 0.0022%; no homozygotes.

Submission:

Labcorp Genetics (formerly Invitae), Labcorp
Classification: Uncertain significance for Charcot-Marie-Tooth disease axonal type 2C. Last evaluated: 2025-09-02. Review status: criteria provided, single submitter. Criteria: Invitae Variant Classification Sherloc (09022015). Collection method: clinical testing. Allele origin: germline.
Comment: This sequence change replaces leucine, which is neutral and non-polar, with valine, which is neutral and non-polar, at codon 543 of the TRPV4 protein (p.Leu543Val). This variant is present in population databases (rs779325064, gnomAD 0.003%). This variant has not been reported in the literature in individuals affected with TRPV4-related conditions. ClinVar contains an entry for this variant (Variation ID: 1984358). Invitae Evidence Modeling of protein sequence and biophysical properties (such as structural, functional, and spatial information, amino acid conservation, physicochemical variation, residue mobility, and thermodynamic stability) has been performed for this missense variant. However, the output from this modeling did not meet the statistical confidence thresholds required to predict the impact of this variant on TRPV4 protein function. In summary, the available evidence is currently insufficient to determine the role of this variant in disease. Therefore, it has been classified as a Variant of Uncertain Significance.

NM_021625.5(TRPV4):c.1627C>G (p.Leu543Val)

Gene: TRPV4 (transient receptor potential cation channel subfamily V member 4; minus strand). Cytogenetic location: 12q24.11.
Variant type: single nucleotide variant.
Coding change: c.1627C>G on transcript NM_021625.5 (MANE Select); coding-DNA position 1627, C replaced by G.
Protein change: p.Leu543Val; replaces leucine 543 with valine.
Molecular consequence: missense variant.
Genome position (GRCh38, 1-based): chr12:109,793,558, G>C on the plus strand (C>G on the coding strand, the complement: TRPV4 is on the minus strand). VCF-style: chr12-109793558-G-C. GRCh37 (hg19) VCF-style: chr12-110231363-G-C.
Other names: c.1486C>G, p.Leu496Val (NM_001177428.2); c.1525C>G, p.Leu509Val (NM_001177431.2); c.1306C>G, p.Leu436Val (NM_001177433.2); c.1447C>G, p.Leu483Val (NM_147204.3); short protein forms L483V, L496V, L436V, L509V, L543V.
Identifiers: ClinVar variation 1984358 (VCV001984358.4), dbSNP rs779325064, ClinGen allele CA6780142.